The following is an entry in ClinVar:

NM_000256.3(MYBPC3):c.1223G>C (p.Ser408Thr)

Gene: MYBPC3 (myosin binding protein C3; minus strand). Cytogenetic location: 11p11.2.
Variant type: single nucleotide variant.
Coding change: c.1223G>C on transcript NM_000256.3 (MANE Select); coding-DNA position 1223, G replaced by C.
Protein change: p.Ser408Thr; replaces serine 408 with threonine.
Molecular consequence: missense variant.
Genome position (GRCh38, 1-based): chr11:47,343,492, C>G on the plus strand (G>C on the coding strand, the complement: MYBPC3 is on the minus strand). VCF-style: chr11-47343492-C-G. GRCh37 (hg19) VCF-style: chr11-47365043-C-G.
Other names: short protein forms S408T.
Identifiers: ClinVar variation 856414 (VCV000856414.9), dbSNP rs2095891230, ClinGen allele CA380328418.

ClinVar aggregate classification (germline): Uncertain significance (1 of 4 stars; one submission).

Conditions:
Hypertrophic cardiomyopathy. Also called: HYPERTROPHIC MYOCARDIOPATHY. Identifiers: Orphanet 217569, MedGen C0007194, MeSH D002312, MONDO:0005045, HP:0001639.

Submission:

Labcorp Genetics (formerly Invitae), Labcorp
Classification: Uncertain significance for Hypertrophic cardiomyopathy. Last evaluated: 2024-08-28. Review status: criteria provided, single submitter. Criteria: Invitae Variant Classification Sherloc (09022015). Collection method: clinical testing. Allele origin: germline.
Comment: This sequence change replaces serine, which is neutral and polar, with threonine, which is neutral and polar, at codon 408 of the MYBPC3 protein (p.Ser408Thr). This variant also falls at the last nucleotide of exon 13, which is part of the consensus splice site for this exon. This variant is not present in population databases (gnomAD no frequency). This variant has not been reported in the literature in individuals affected with MYBPC3-related conditions. ClinVar contains an entry for this variant (Variation ID: 856414). An algorithm developed to predict the effect of missense changes on protein structure and function (PolyPhen-2) suggests that this variant is likely to be tolerated. Variants that disrupt the consensus splice site are a relatively common cause of aberrant splicing (PMID: 17576681, 9536098). Algorithms developed to predict the effect of sequence changes on RNA splicing suggest that this variant may disrupt the consensus splice site. In summary, the available evidence is currently insufficient to determine the role of this variant in disease. Therefore, it has been classified as a Variant of Uncertain Significance.

Literature cited by the submitters: PubMed 17576681; PubMed 9536098.